The following is an entry in ClinVar:

ClinVar aggregate classification (germline): Uncertain significance. Review status: criteria provided, multiple submitters, no conflicts (2 of 4 stars). 3 submissions from 3 submitters: Uncertain significance (2). 1 of the submissions does not count toward it. Last evaluated 2023-04-07.

Conditions:
Autosomal recessive nonsyndromic hearing loss 77. Identifiers: Orphanet 90636, MedGen C2746083, MONDO:0013119, OMIM 613079.

Allele frequency attached by ClinVar (database versions not stated): gnomAD exomes below 0.00001.
gnomAD v4.1: 2 of 1,551,684 alleles (0.00013%); highest among the groups gnomAD compares: Middle Eastern, 0.017%; no homozygotes.

Submissions (3):

GeneDx
Classification: Uncertain significance. Last evaluated: 2023-04-07. Review status: criteria provided, single submitter. Criteria: GeneDx Variant Classification Process June 2021. Collection method: clinical testing. Allele origin: germline. Affected: yes.
Comment: Not observed at significant frequency in large population cohorts (gnomAD); In silico analysis supports that this missense variant has a deleterious effect on protein structure/function; Has not been previously published as pathogenic or benign to our knowledge

Laboratory for Molecular Medicine, Mass General Brigham Personalized Medicine
Classification: Uncertain significance. Last evaluated: 2016-04-14. Review status: criteria provided, single submitter. Criteria: LMM Criteria. Collection method: clinical testing. Allele origin: germline. Observed: 1 variant allele.
Comment: The p.Thr2043Asn variant in LOXHD1 has not been previously reported in individua ls with hearing loss. Data from large population studies is insufficient to asse ss the frequency of this variant. Computational prediction tools and conservati on analysis do not provide strong support for or against an impact to the protei n. In summary, the clinical significance of the p.Thr2043Asn variant is uncertai n.

Natera, Inc.
Classification: Uncertain significance for Autosomal recessive deafness type 77. Last evaluated: 2020-08-06. Review status: no assertion criteria provided. Collection method: clinical testing. Allele origin: germline. Not counted in ClinVar's aggregate classification.

NM_001384474.1(LOXHD1):c.6314C>A (p.Thr2105Asn)

Gene: LOXHD1 (lipoxygenase homology PLAT domains 1; minus strand). Cytogenetic location: 18q21.1.
Variant type: single nucleotide variant.
Coding change: c.6314C>A on transcript NM_001384474.1 (MANE Select); coding-DNA position 6314, C replaced by A.
Protein change: p.Thr2105Asn; replaces threonine 2105 with asparagine.
Molecular consequence: missense variant.
Genome position (GRCh38, 1-based): chr18:46,483,614, G>T on the plus strand (C>A on the coding strand, the complement: LOXHD1 is on the minus strand). VCF-style: chr18-46483614-G-T. GRCh37 (hg19) VCF-style: chr18-44063577-G-T.
Other names: c.2981C>A, p.Thr994Asn (NM_001145472.3); c.1031C>A, p.Thr344Asn (NM_001145473.3, NM_001173129.2); c.2693C>A, p.Thr898Asn (NM_001308013.2); c.6128C>A, p.Thr2043Asn (NM_144612.7); short protein forms T2043N, T344N, T994N, T898N, T2105N.
Identifiers: ClinVar variation 504893 (VCV000504893.6), dbSNP rs1555653083, ClinGen allele CA402365887.